The following is an entry in ClinVar:

ClinVar aggregate classification (germline): Uncertain significance (1 of 4 stars; one submission).

Allele frequency attached by ClinVar (database versions not stated): gnomAD 0.00001; TOPMed 0.00001.
gnomAD v4.1: 7 of 1,518,466 alleles (0.00046%); highest among the groups gnomAD compares: Admixed American, 0.002%; no homozygotes.

Submission:

Labcorp Genetics (formerly Invitae), Labcorp
Classification: Uncertain significance. Last evaluated: 2024-09-05. Review status: criteria provided, single submitter. Criteria: Invitae Variant Classification Sherloc (09022015). Collection method: clinical testing. Allele origin: germline.
Comment: This sequence change replaces serine, which is neutral and polar, with threonine, which is neutral and polar, at codon 1113 of the PIK3C2A protein (p.Ser1113Thr). This variant is not present in population databases (gnomAD no frequency). This variant has not been reported in the literature in individuals affected with PIK3C2A-related conditions. ClinVar contains an entry for this variant (Variation ID: 1924377). An algorithm developed to predict the effect of missense changes on protein structure and function (PolyPhen-2) suggests that this variant is likely to be tolerated. In summary, the available evidence is currently insufficient to determine the role of this variant in disease. Therefore, it has been classified as a Variant of Uncertain Significance.

NM_002645.4(PIK3C2A):c.3338G>C (p.Ser1113Thr)

Gene: PIK3C2A (phosphatidylinositol-4-phosphate 3-kinase catalytic subunit type 2 alpha; minus strand). Cytogenetic location: 11p15.1.
Variant type: single nucleotide variant.
Coding change: c.3338G>C on transcript NM_002645.4 (MANE Select); coding-DNA position 3338, G replaced by C.
Protein change: p.Ser1113Thr; replaces serine 1113 with threonine.
Molecular consequence: missense variant.
Genome position (GRCh38, 1-based): chr11:17,112,650, C>G on the plus strand (G>C on the coding strand, the complement: PIK3C2A is on the minus strand). VCF-style: chr11-17112650-C-G. GRCh37 (hg19) VCF-style: chr11-17134197-C-G.
Other names: c.3338G>C, p.Ser1113Thr (NM_001321378.2); c.2198G>C, p.Ser733Thr (NM_001321380.2); c.3170G>C, p.Ser1057Thr (NM_001386870.1); short protein forms S1057T, S1113T, S733T.
Identifiers: ClinVar variation 1924377 (VCV001924377.5), dbSNP rs1468608051, ClinGen allele CA379757633.